The following is an entry in ClinVar:

ClinVar aggregate classification (germline): Uncertain significance. Review status: criteria provided, multiple submitters, no conflicts (2 of 4 stars). 2 submissions from 2 submitters: Uncertain significance (2). Last evaluated 2025-03-13.

Conditions:
Progressive sclerosing poliodystrophy (MTDPS4A). Also called: Mitochondrial DNA depletion syndrome 4A (Alpers type); Alpers Syndrome; ALPERS DIFFUSE DEGENERATION OF CEREBRAL GRAY MATTER WITH HEPATIC CIRRHOSIS; Mitochondrial DNA Depletion Syndrome 4A; Alpers-Huttenlocher Syndrome (AHS); ALPERS PROGRESSIVE INFANTILE POLIODYSTROPHY. Identifiers: Orphanet 726, MedGen C0205710, MONDO:0008758, OMIM 203700.

Allele frequency attached by ClinVar (database versions not stated): gnomAD 0.00001; TOPMed 0.00001.
gnomAD v4.1: 6 of 1,613,834 alleles (0.00037%); highest among the groups gnomAD compares: Admixed American, 0.01%; no homozygotes.

Submissions (2):

Labcorp Genetics (formerly Invitae), Labcorp
Classification: Uncertain significance for Progressive sclerosing poliodystrophy. Last evaluated: 2025-03-13. Review status: criteria provided, single submitter. Criteria: Invitae Variant Classification Sherloc (09022015). Collection method: clinical testing. Allele origin: germline.
Comment: This sequence change replaces proline, which is neutral and non-polar, with leucine, which is neutral and non-polar, at codon 1213 of the POLG protein (p.Pro1213Leu). This variant is present in population databases (no rsID available, gnomAD 0.006%). This variant has not been reported in the literature in individuals affected with POLG-related conditions. ClinVar contains an entry for this variant (Variation ID: 432447). Invitae Evidence Modeling of protein sequence and biophysical properties (such as structural, functional, and spatial information, amino acid conservation, physicochemical variation, residue mobility, and thermodynamic stability) indicates that this missense variant is expected to disrupt POLG protein function with a positive predictive value of 95%. In summary, the available evidence is currently insufficient to determine the role of this variant in disease. Therefore, it has been classified as a Variant of Uncertain Significance.

GeneDx
Classification: Uncertain significance. Last evaluated: 2023-04-19. Review status: criteria provided, single submitter. Criteria: GeneDx Variant Classification Process June 2021. Collection method: clinical testing. Allele origin: germline. Affected: yes.
Comment: Not observed at significant frequency in large population cohorts (gnomAD); In silico analysis supports that this missense variant has a deleterious effect on protein structure/function; Has not been previously published as pathogenic or benign to our knowledge

NM_002693.3(POLG):c.3638C>T (p.Pro1213Leu)

Gene: POLG (DNA polymerase gamma, catalytic subunit; minus strand). Cytogenetic location: 15q26.1.
Variant type: single nucleotide variant.
Coding change: c.3638C>T on transcript NM_002693.3 (MANE Select); coding-DNA position 3638, C replaced by T.
Protein change: p.Pro1213Leu; replaces proline 1213 with leucine.
Molecular consequence: missense variant.
Genome position (GRCh38, 1-based): chr15:89,317,381, G>A on the plus strand (C>T on the coding strand, the complement: POLG is on the minus strand). VCF-style: chr15-89317381-G-A. GRCh37 (hg19) VCF-style: chr15-89860612-G-A.
Other names: c.3638C>T, p.Pro1213Leu (NM_001126131.2); short protein forms P1213L.
Identifiers: ClinVar variation 432447 (VCV000432447.13), dbSNP rs1338265836, ClinGen allele CA393747195.